The following is an entry in ClinVar:

NM_014795.4(ZEB2):c.173A>G (p.Gln58Arg)

Gene: ZEB2 (zinc finger E-box binding homeobox 2; minus strand). Cytogenetic location: 2q22.3.
Variant type: single nucleotide variant.
Coding change: c.173A>G on transcript NM_014795.4 (MANE Select); coding-DNA position 173, A replaced by G.
Protein change: p.Gln58Arg; replaces glutamine 58 with arginine.
Molecular consequence: missense variant.
Genome position (GRCh38, 1-based): chr2:144,429,927, T>C on the plus strand (A>G on the coding strand, the complement: ZEB2 is on the minus strand). VCF-style: chr2-144429927-T-C. GRCh37 (hg19) VCF-style: chr2-145187494-T-C.
Other names: c.173A>G, p.Gln58Arg (NM_001171653.2); short protein forms Q58R.
Identifiers: ClinVar variation 1508536 (VCV001508536.8), dbSNP rs747953453, ClinGen allele CA1898592.
Genomic context (GRCh38, chr2:144,429,927, plus strand): 5'-AGAGCTTGGCTCACGTGTGGGGAGGACTCATGGTTGGGCACACTAGCTGGACTCGTCTCC[T>C]GGTCCAGAGGGTTGGCAATACCGTCATCCTCAGCAATATGAAGCTTGTCTTCCTCATCTG-3'
Protein context (NP_055610.1, residues 48-68): EDDGIANPLD[Gln58Arg]ETSPASVPNH

ClinVar aggregate classification (germline): Uncertain significance (1 of 4 stars; one submission).

Conditions:
Mowat-Wilson syndrome (MOWS). Also called: Classic Mowat-Wilson Syndrome. Identifiers: Orphanet 2152, MedGen C1856113, MONDO:0009341, OMIM 235730.

Allele frequency attached by ClinVar (database versions not stated): ExAC 0.00001; gnomAD exomes 0.00001 and below 0.00001.
gnomAD v4.1: 5 of 1,613,822 alleles (0.00031%); highest among the groups gnomAD compares: Non-Finnish European, 0.00034%; no homozygotes.

Submission:

Labcorp Genetics (formerly Invitae), Labcorp
Classification: Uncertain significance for Mowat-Wilson syndrome. Last evaluated: 2023-01-17. Review status: criteria provided, single submitter. Criteria: Invitae Variant Classification Sherloc (09022015). Collection method: clinical testing. Allele origin: germline.
Comment: In summary, the available evidence is currently insufficient to determine the role of this variant in disease. Therefore, it has been classified as a Variant of Uncertain Significance. Algorithms developed to predict the effect of missense changes on protein structure and function are either unavailable or do not agree on the potential impact of this missense change (SIFT: "Deleterious"; PolyPhen-2: "Benign"; Align-GVGD: "Class C0"). ClinVar contains an entry for this variant (Variation ID: 1508536). This variant has not been reported in the literature in individuals affected with ZEB2-related conditions. This variant is present in population databases (rs747953453, gnomAD 0.0009%). This sequence change replaces glutamine, which is neutral and polar, with arginine, which is basic and polar, at codon 58 of the ZEB2 protein (p.Gln58Arg).